The following is an entry in ClinVar:

NM_001377405.1(ATXN7):c.117GCC[4] (p.Pro43_Gln44insPro)

Genes: ATXN7 (ataxin 7; plus strand), LOC108660406 (ataxin 7 repeat instability region; plus strand), LOC129936979 (ATAC-STARR-seq lymphoblastoid silent region 14501; plus strand). Cytogenetic location: 3p14.1.
Variant type: Microsatellite.
Coding change: c.117GCC[4] on transcript NM_001377405.1 (MANE Select); four copies in a row of the 3-base unit GCC starting at c.117; the reference has three copies in a row; one copy, 3 bases duplicated.
Protein change: p.Pro43_Gln44insPro.
Genome position (GRCh38, 1-based): chr3:63,912,721-63,912,723, GCC duplicated; duplicating any 3 consecutive bases within chr3:63,912,715-63,912,723 gives the same sequence; the position shown is the placement nearest the transcript's 3' end. VCF-style (leftmost placement, unchanged base first): chr3-63912714-A-AGCC. GRCh37 (hg19) VCF-style: chr3-63898390-A-AGCC.
Other names: c.117GCC[4], p.Pro43_Gln44insPro (NM_000333.4, NM_001177387.1, NM_001377406.1).
Identifiers: ClinVar variation 2653941 (VCV002653941.23), dbSNP rs1553686135, ClinGen allele CA2478174.

ClinVar aggregate classification (germline): Benign/Likely benign. Review status: criteria provided, multiple submitters, no conflicts (2 of 4 stars). 2 submissions from 2 submitters: Benign (1); Likely benign (1). Last evaluated 2026-07-01.

Submissions (2):

CeGaT Center for Human Genetics Tuebingen
Classification: Benign. Last evaluated: 2026-07-01. Review status: criteria provided, single submitter. Criteria: CeGaT Center For Human Genetics Tuebingen Variant Classification Criteria Version 2. Collection method: clinical testing. Allele origin: germline. Affected: yes. Observed: 5 variant alleles.
Comment: ATXN7: BS1, BS2

Blueprint Genetics
Classification: Likely benign. Last evaluated: 2024-11-26. Review status: criteria provided, single submitter. Criteria: ACMG Guidelines, 2015. Collection method: clinical testing. Allele origin: germline.